The following is an entry in ClinVar:

NM_021098.3(CACNA1H):c.926G>A (p.Arg309His)

Gene: CACNA1H (calcium voltage-gated channel subunit alpha1 H; plus strand). Cytogenetic location: 16p13.3.
Variant type: single nucleotide variant.
Coding change: c.926G>A on transcript NM_021098.3 (MANE Select); coding-DNA position 926, G replaced by A.
Protein change: p.Arg309His; replaces arginine 309 with histidine.
Molecular consequence: missense variant.
Genome position (GRCh38, 1-based): chr16:1,200,378, G>A. VCF-style: chr16-1200378-G-A. GRCh37 (hg19) VCF-style: chr16-1250378-G-A.
Other names: c.926G>A, p.Arg309His (NM_001005407.2); short protein forms R309H.
Identifiers: ClinVar variation 460194 (VCV000460194.19), dbSNP rs201651793, ClinGen allele CA7799710.

ClinVar aggregate classification (germline): Conflicting classifications of pathogenicity. Review status: criteria provided, conflicting classifications (1 of 4 stars). 5 submissions from 5 submitters: Uncertain significance (3); Likely benign (2). Last evaluated 2025-08-29.

Conditions:
Hyperaldosteronism, familial, type IV (HALD4). Also called: FH IV; ALDOSTERONISM, PRIMARY, AND HYPERTENSION. Identifiers: Orphanet 642671, MedGen C4310756, MONDO:0014875, OMIM 617027.
Idiopathic generalized epilepsy. Also called: Generalised epilepsy; EIG. Identifiers: MedGen C0270850, MONDO:0005579, OMIM 600669.
Inborn genetic diseases. Identifiers: MedGen C0950123, MeSH D030342.

Allele frequency attached by ClinVar (database versions not stated): gnomAD exomes 0.00002 and 0.00005; TOPMed 0.00022; ESP Exome Variant Server 0.00032; 1000 Genomes Project 0.00040; 1000 Genomes Project 30x 0.00062; ExAC 0.00010; gnomAD 0.00021.
gnomAD v4.1: 68 of 1,601,730 alleles (0.0042%); highest among the groups gnomAD compares: African/African-American, 0.078%; no homozygotes.

Submissions (5):

Labcorp Genetics (formerly Invitae), Labcorp
Classification: Likely benign for Idiopathic generalized epilepsy; Hyperaldosteronism, familial, type IV. Last evaluated: 2025-08-29. Review status: criteria provided, single submitter. Criteria: Invitae Variant Classification Sherloc (09022015). Collection method: clinical testing. Allele origin: germline.

Women's Health and Genetics/Laboratory Corporation of America, LabCorp
Classification: Uncertain significance. Last evaluated: 2025-07-02. Review status: criteria provided, single submitter. Criteria: LabCorp Variant Classification Summary - May 2015. Collection method: clinical testing. Allele origin: germline.
Comment: Variant summary: CACNA1H c.926G>A (p.Arg309His) results in a non-conservative amino acid change in the encoded protein sequence. Algorithms developed to predict the effect of missense changes on protein structure and function are either unavailable or do not agree on the potential impact of this missense change. The variant allele was found at a frequency of 4.8e-05 in 227840 control chromosomes. This frequency is not significantly higher than estimated for a pathogenic variant in CACNA1H causing Idiopathic Generalized Epilepsy, allowing no conclusion about variant significance. c.926G>A has been observed in individual(s) affected with Idiopathic Generalized Epilepsy. These report(s) do not provide unequivocal conclusions about association of the variant with Idiopathic Generalized Epilepsy. To our knowledge, no experimental evidence demonstrating an impact on protein function has been reported. The following publication have been ascertained in the context of this evaluation (PMID: 36539902). ClinVar contains an entry for this variant (Variation ID: 460194). Based on the evidence outlined above, the variant was classified as uncertain significance.

Ambry Genetics
Classification: Uncertain significance for Inborn genetic diseases. Last evaluated: 2024-06-26. Review status: criteria provided, single submitter. Criteria: Ambry Variant Classification Scheme 2023. Collection method: clinical testing. Allele origin: germline.

Blueprint Genetics
Classification: Likely benign. Last evaluated: 2022-09-13. Review status: criteria provided, single submitter. Criteria: ACMG Guidelines, 2015. Collection method: clinical testing. Allele origin: germline.

Eurofins Ntd Llc (ga)
Classification: Uncertain significance. Last evaluated: 2018-06-26. Review status: criteria provided, single submitter. Criteria: EGL ClinVar v180209 classification definitions. Collection method: clinical testing. Allele origin: germline. Observed: 1 variant allele, 1 heterozygote.

Literature cited by the submitters: PubMed 36539902 (cited by Women's Health and Genetics/Laboratory Corporation of America, LabCorp).